The following continues an entry in ClinVar:

NM_014336.5(AIPL1):c.834G>A (p.Trp278Ter)

Gene: AIPL1. ClinVar aggregate classification (germline): Pathogenic. Pathogenic (1).

Submissions 25 to 34 of 34:

Laboratory for Molecular Medicine, Mass General Brigham Personalized Medicine
Classification: Pathogenic for Leber congenital amaurosis. Last evaluated: 2016-02-01. Review status: criteria provided, single submitter. Criteria: ACMG Guidelines, 2015. Collection method: clinical testing. Allele origin: germline. Inheritance: Autosomal recessive inheritance. Not counted in ClinVar's aggregate classification.
Comment: The p.Trp278X variant in AIPL1 has been reported in at least 4 individuals (3 homozygotes and 1 compound heterozygote) with Leber congenital amaurosis and segregated with the disease in their families (Sohocki 2000) and in vitro functional studies provide evidence that the p.Trp278X variant impacts protein function (van der Spuy 2004). This variant has been identified in 0.057% (37/65408) of European chromosomes by the Exome Aggregation Consortium (ExAC; dbSNP rs62637014). Although this variant has been seen in the general population, its frequency is low enough to be consistent with a recessive carrier frequency. This nonsense variant leads to a premature termination codon at position 278. This alteration occurs within the last exon and is more likely to escape nonsense mediated decay (NMD) and result in a truncated protein. In summary, this variant meets our criteria to be classified as pathogenic for Leber congenital amaurosis in an autosomal recessive manner based upon case studies, segregation analyses, low frequency in controls and functional evidence.

Sharon lab, Hadassah-Hebrew University Medical Center
Classification: Pathogenic for Leber congenital amaurosis. Last evaluated: 2019-06-23. Review status: no assertion criteria provided. Collection method: research. Allele origin: inherited. Affected: yes. Not counted in ClinVar's aggregate classification.

Department of Clinical Genetics, Copenhagen University Hospital, Rigshospitalet
Classification: Pathogenic for Leber congenital amaurosis. Last evaluated: 2018-04-01. Review status: no assertion criteria provided. Collection method: research. Allele origin: unknown. Affected: yes. Study: VeluxRD. Not counted in ClinVar's aggregate classification.

OMIM
Classification: Pathogenic for LEBER CONGENITAL AMAUROSIS 4. Last evaluated: 2015-04-01. Review status: no assertion criteria provided. Collection method: literature only. Allele origin: germline. Not counted in ClinVar's aggregate classification.

NIHR Bioresource Rare Diseases, University of Cambridge
Classification: Pathogenic for Leber congenital amaurosis. Last evaluated: 2015-01-01. Review status: no assertion criteria provided. Collection method: research. Allele origin: unknown. Affected: yes. Observed: 1 variant allele. Not counted in ClinVar's aggregate classification.

Clinical Genetics, Academic Medical Center
Classification: Pathogenic. Review status: no assertion criteria provided. Collection method: clinical testing. Allele origin: germline. Affected: yes. Study: VKGL Data-share Consensus. Not counted in ClinVar's aggregate classification.

GeneReviews
No classification provided. Condition: Leber congenital amaurosis 4. Review status: no classification provided. Collection method: literature only. Allele origin: unknown. Not counted in ClinVar's aggregate classification.

Joint Genome Diagnostic Labs from Nijmegen and Maastricht, Radboudumc and MUMC+
Classification: Pathogenic. Review status: no assertion criteria provided. Collection method: clinical testing. Allele origin: germline. Affected: yes. Study: VKGL Data-share Consensus. Not counted in ClinVar's aggregate classification.

Laboratory of Genetics in Ophthalmology, Institut Imagine
Classification: Pathogenic for Leber congenital amaurosis 4. Review status: no assertion criteria provided. Collection method: research. Allele origin: inherited. Affected: yes. Observed: 15 variant alleles. Not counted in ClinVar's aggregate classification.

Retina International
No classification provided. Review status: no classification provided. Collection method: not provided. Allele origin: not provided. Not counted in ClinVar's aggregate classification.

Literature cited by the submitters: PubMed 10615133 (cited by 10 submitters); PubMed 10873396 (cited by 6 submitters); PubMed 15249368 (cited by Labcorp Genetics (formerly Invitae), Labcorp and Illumina Laboratory Services, Illumina); PubMed 21474771 (cited by 4 submitters); PubMed 22412862 (cited by Labcorp Genetics (formerly Invitae), Labcorp); PubMed 15347646 (cited by 6 submitters); PubMed 25799540 (cited by 5 submitters); PubMed 11548141 (cited by Research Institute for Ophthalmology and Vision Science, Shahid Beheshti University of Medical Sciences); PubMed 20702822 (cited by 3billion); PubMed 40180963 (cited by Ophthalmic Genetics Group, Institute of Molecular and Clinical Ophthalmology Basel); PubMed 33067476 (cited by Victorian Clinical Genetics Services, Murdoch Childrens Research Institute and Institute of Human Genetics, Univ. Regensburg, Univ. Regensburg); PubMed 29053603 (cited by Institute of Human Genetics, Univ. Regensburg, Univ. Regensburg); PubMed 29178642 (cited by Institute of Human Genetics, Univ. Regensburg, Univ. Regensburg); PubMed 29068479 (cited by Institute of Human Genetics, Univ. Regensburg, Univ. Regensburg); PubMed 30576320 (cited by Institute of Human Genetics, Univ. Regensburg, Univ. Regensburg); PubMed 31589614 (cited by Institute of Human Genetics, Univ. Regensburg, Univ. Regensburg); PubMed 31964843 (cited by Institute of Human Genetics, Univ. Regensburg, Univ. Regensburg); PubMed 31429209 (cited by Institute of Human Genetics, Univ. Regensburg, Univ. Regensburg); PubMed 31980526 (cited by Institute of Human Genetics, Univ. Regensburg, Univ. Regensburg); PubMed 32552793 (cited by Institute of Human Genetics, Univ. Regensburg, Univ. Regensburg); PubMed 32783370 (cited by Institute of Human Genetics, Univ. Regensburg, Univ. Regensburg); PubMed 32865313 (cited by Institute of Human Genetics, Univ. Regensburg, Univ. Regensburg); PubMed 31456290 (cited by Institute of Human Genetics, Univ. Regensburg, Univ. Regensburg); PubMed 32581362 (cited by Institute of Human Genetics, Univ. Regensburg, Univ. Regensburg); PubMed 32531858 (cited by Institute of Human Genetics, Univ. Regensburg, Univ. Regensburg); PubMed 31963381 (cited by Institute of Human Genetics, Univ. Regensburg, Univ. Regensburg); PubMed 34426522 (cited by Institute of Human Genetics, Univ. Regensburg, Univ. Regensburg); PubMed 36284670 (cited by Institute of Human Genetics, Univ. Regensburg, Univ. Regensburg); PubMed 36460718 (cited by Institute of Human Genetics, Univ. Regensburg, Univ. Regensburg); PubMed 35836572 (cited by Institute of Human Genetics, Univ. Regensburg, Univ. Regensburg); PubMed 35456422 (cited by Institute of Human Genetics, Univ. Regensburg, Univ. Regensburg); PubMed 36819107 (cited by Institute of Human Genetics, Univ. Regensburg, Univ. Regensburg); PubMed 30718709 (cited by Department of Clinical Genetics, Copenhagen University Hospital, Rigshospitalet); PubMed 25596619 (cited by OMIM); PubMed 28041643 (cited by NIHR Bioresource Rare Diseases, University of Cambridge); PubMed 20301475 (cited by GeneReviews); NCBI Bookshelf NBK1298 (cited by GeneReviews).